The following is an entry in ClinVar:

NM_003480.4(MFAP5):c.251G>A (p.Cys84Tyr)

Gene: MFAP5 (microfibril associated protein 5; minus strand). Cytogenetic location: 12p13.31.
Variant type: single nucleotide variant.
Coding change: c.251G>A on transcript NM_003480.4 (MANE Select); coding-DNA position 251, G replaced by A.
Protein change: p.Cys84Tyr; replaces cysteine 84 with tyrosine.
Molecular consequence: missense variant. On other transcripts: non-coding transcript variant (2), intron variant (1).
Genome position (GRCh38, 1-based): chr12:8,650,586, C>T on the plus strand (G>A on the coding strand, the complement: MFAP5 is on the minus strand). VCF-style: chr12-8650586-C-T. GRCh37 (hg19) VCF-style: chr12-8803182-C-T.
Other names: c.221G>A, p.Cys74Tyr (NM_001297709.2); c.185G>A, p.Cys62Tyr (NM_001297710.2); c.176G>A, p.Cys59Tyr (NM_001297711.2); c.218-2383G>A (NM_001297712.2); short protein forms C84Y, C59Y, C62Y, C74Y.
Identifiers: ClinVar variation 451804 (VCV000451804.7), dbSNP rs747879550, ClinGen allele CA6434653.

ClinVar aggregate classification (germline): Uncertain significance. Review status: criteria provided, multiple submitters, no conflicts (2 of 4 stars). 3 submissions from 3 submitters: Uncertain significance (3). Last evaluated 2025-07-28.

Conditions:
Cardiovascular phenotype. Identifiers: MedGen CN230736.

Allele frequency attached by ClinVar (database versions not stated): TOPMed 0.00002; gnomAD 0.00003; gnomAD exomes 0.00003; ExAC 0.00006.

Submissions (3):

Labcorp Genetics (formerly Invitae), Labcorp
Classification: Uncertain significance. Last evaluated: 2025-07-28. Review status: criteria provided, single submitter. Criteria: Invitae Variant Classification Sherloc (09022015). Collection method: clinical testing. Allele origin: germline.
Comment: This sequence change replaces cysteine, which is neutral and slightly polar, with tyrosine, which is neutral and polar, at codon 84 of the MFAP5 protein (p.Cys84Tyr). This variant is present in population databases (rs747879550, gnomAD 0.005%). This variant has not been reported in the literature in individuals affected with MFAP5-related conditions. ClinVar contains an entry for this variant (Variation ID: 451804). An algorithm developed to predict the effect of missense changes on protein structure and function (PolyPhen-2) suggests that this variant is likely to be disruptive. In summary, the available evidence is currently insufficient to determine the role of this variant in disease. Therefore, it has been classified as a Variant of Uncertain Significance.

Ambry Genetics
Classification: Uncertain significance for Cardiovascular phenotype. Last evaluated: 2023-10-05. Review status: criteria provided, single submitter. Criteria: Ambry Variant Classification Scheme 2023. Collection method: clinical testing. Allele origin: germline.
Comment: The p.C84Y variant (also known as c.251G>A), located in coding exon 7 of the MFAP5 gene, results from a G to A substitution at nucleotide position 251. The cysteine at codon 84 is replaced by tyrosine, an amino acid with highly dissimilar properties. This amino acid position is highly conserved in available vertebrate species. In addition, this alteration is predicted to be deleterious by in silico analysis. Since supporting evidence is limited at this time, the clinical significance of this alteration remains unclear.

GeneDx
Classification: Uncertain significance. Last evaluated: 2017-09-07. Review status: criteria provided, single submitter. Criteria: GeneDx Variant Classification (06012015). Collection method: clinical testing. Allele origin: germline. Affected: yes.
Comment: A variant of uncertain significance has been identified in the MFAP5 gene. The C84Y variant has not been published as pathogenic or been reported as benign to our knowledge. This variant is not observed at a significant frequency in large population cohorts (Lek et al., 2016; 1000 Genomes Consortium et al., 2015; Exome Variant Server). The C84Y variant is a non-conservative amino acid substitution, which is likely to impact secondary protein structure as these residues differ in polarity, charge, size and/or other properties. This substitution occurs at a position that is conserved in mammals and in silico analysis predicts this variant is probably damaging to the protein structure/function. However, this variant lacks observation in a significant number of affected individuals, segregation data, and functional evidence, which would further clarify its pathogenicity.